The following is an entry in ClinVar:

ClinVar aggregate classification (germline): Uncertain significance (1 of 4 stars; one submission).

Submission:

Labcorp Genetics (formerly Invitae), Labcorp
Classification: Uncertain significance. Last evaluated: 2024-12-09. Review status: criteria provided, single submitter. Criteria: Invitae Variant Classification Sherloc (09022015). Collection method: clinical testing. Allele origin: germline.
Comment: This sequence change replaces aspartic acid, which is acidic and polar, with alanine, which is neutral and non-polar, at codon 510 of the MBD4 protein (p.Asp510Ala). This variant is not present in population databases (gnomAD no frequency). This variant has not been reported in the literature in individuals affected with MBD4-related conditions. An algorithm developed to predict the effect of missense changes on protein structure and function (PolyPhen-2) suggests that this variant is likely to be disruptive. In summary, the available evidence is currently insufficient to determine the role of this variant in disease. Therefore, it has been classified as a Variant of Uncertain Significance.

NM_001276270.2(MBD4):c.1511A>C (p.Asp504Ala)

Gene: MBD4 (methyl-CpG binding domain 4, DNA glycosylase; minus strand). Cytogenetic location: 3q21.3.
Variant type: single nucleotide variant.
Coding change: c.1511A>C on transcript NM_001276270.2 (MANE Select); coding-DNA position 1511, A replaced by C.
Protein change: p.Asp504Ala; replaces aspartic acid 504 with alanine.
Molecular consequence: missense variant.
Genome position (GRCh38, 1-based): chr3:129,433,130, T>G on the plus strand (A>C on the coding strand, the complement: MBD4 is on the minus strand). VCF-style: chr3-129433130-T-G. GRCh37 (hg19) VCF-style: chr3-129151973-T-G.
Other names: c.1529A>C, p.Asp510Ala (NM_001276271.2, NM_001276272.2, NM_003925.3); c.575A>C, p.Asp192Ala (NM_001276273.2); short protein forms D192A, D504A, D510A.
Identifiers: ClinVar variation 3678930 (VCV003678930.2).